The following is an entry in ClinVar:

NM_032119.4(ADGRV1):c.13765G>T (p.Val4589Leu)

Gene: ADGRV1 (adhesion G protein-coupled receptor V1; plus strand). Cytogenetic location: 5q14.3.
Variant type: single nucleotide variant.
Coding change: c.13765G>T on transcript NM_032119.4 (MANE Select); coding-DNA position 13765, G replaced by T.
Protein change: p.Val4589Leu; replaces valine 4589 with leucine.
Molecular consequence: missense variant. On other transcripts: non-coding transcript variant (1).
Genome position (GRCh38, 1-based): chr5:90,788,182, G>T. VCF-style: chr5-90788182-G-T. GRCh37 (hg19) VCF-style: chr5-90083999-G-T.
Other names: short protein forms V4589L.
Identifiers: ClinVar variation 1484241 (VCV001484241.5), dbSNP rs375258567, ClinGen allele CA3341607.

ClinVar aggregate classification (germline): Uncertain significance (1 of 4 stars; one submission).

Allele frequency attached by ClinVar (database versions not stated): ESP Exome Variant Server 0.00008; gnomAD exomes below 0.00001; ExAC 0.00001.
gnomAD v4.1: 14 of 1,613,740 alleles (0.00087%); highest among the groups gnomAD compares: South Asian, 0.0011%; no homozygotes.

Submission:

Labcorp Genetics (formerly Invitae), Labcorp
Classification: Uncertain significance. Last evaluated: 2021-08-25. Review status: criteria provided, single submitter. Criteria: Invitae Variant Classification Sherloc (09022015). Collection method: clinical testing. Allele origin: germline.
Comment: This sequence change replaces valine with leucine at codon 4589 of the ADGRV1 protein (p.Val4589Leu). The valine residue is moderately conserved and there is a small physicochemical difference between valine and leucine. This variant is present in population databases (rs375258567, ExAC 0.002%). This variant has not been reported in the literature in individuals affected with ADGRV1-related conditions. Algorithms developed to predict the effect of missense changes on protein structure and function output the following: SIFT: "Tolerated"; PolyPhen-2: "Benign"; Align-GVGD: "Class C0". The leucine amino acid residue is found in multiple mammalian species, which suggests that this missense change does not adversely affect protein function. In summary, the available evidence is currently insufficient to determine the role of this variant in disease. Therefore, it has been classified as a Variant of Uncertain Significance.